The following is an entry in ClinVar:

ClinVar aggregate classification (germline): Likely pathogenic (1 of 4 stars; one submission).

Submission:

GeneDx
Classification: Likely pathogenic. Last evaluated: 2020-12-14. Review status: criteria provided, single submitter. Criteria: GeneDx Variant Classification Process June 2021. Collection method: clinical testing. Allele origin: germline. Affected: yes.
Comment: Frameshift variant predicted to result in protein truncation or nonsense mediated decay in a gene for which loss-of-function is a known mechanism of disease; Not observed in large population cohorts (Lek et al., 2016); Has not been previously published as pathogenic or benign to our knowledge

NM_003922.4(HERC1):c.7039del (p.Val2347fs)

Gene: HERC1 (HECT and RLD domain containing E3 ubiquitin protein ligase family member 1; minus strand). Cytogenetic location: 15q22.31.
Variant type: Deletion.
Coding change: c.7039del on transcript NM_003922.4 (MANE Select); coding-DNA position 7039, one base deleted (G; older notation c.7039delG).
Protein change: p.Val2347fs; shifts the reading frame from valine 2347.
Molecular consequence: frameshift variant.
Genome position (GRCh38, 1-based): chr15:63,677,876, C deleted on the plus strand (G on the coding strand, the reverse complement: HERC1 is on the minus strand); the first of 2 consecutive C bases (chr15:63,677,876-63,677,877); deleting either gives the same sequence. VCF-style (leftmost placement, unchanged base first): chr15-63677875-AC-A. GRCh37 (hg19) VCF-style: chr15-63970074-AC-A.
Other names: c.7039delG (NM_003922.3); short protein forms V2347fs.
Identifiers: ClinVar variation 452323 (VCV000452323.3), dbSNP rs1555417272, ClinGen allele CA658658296.